The following is an entry in ClinVar:

ClinVar aggregate classification (germline): Likely pathogenic (1 of 4 stars; one submission).

Conditions:
Duchenne muscular dystrophy (DMD). Also called: MUSCULAR DYSTROPHY, PSEUDOHYPERTROPHIC PROGRESSIVE, DUCHENNE TYPE; Duchenne Muscular Dystrophy (DMD). Identifiers: Orphanet 98896, MedGen C0013264, MONDO:0010679, OMIM 310200.

Submission:

Labcorp Genetics (formerly Invitae), Labcorp
Classification: Likely pathogenic for Duchenne muscular dystrophy. Last evaluated: 2022-11-07. Review status: criteria provided, single submitter. Criteria: Invitae Variant Classification Sherloc (09022015). Collection method: clinical testing. Allele origin: unknown.
Comment: In summary, the currently available evidence indicates that the variant is pathogenic, but additional data are needed to prove that conclusively. Therefore, this variant has been classified as Likely Pathogenic. This variant has not been reported in the literature in individuals affected with DMD-related conditions. This variant results in a copy number gain of the genomic region encompassing exon(s) 45-70 of the DMD gene. While the exact position of this variant cannot be determined from the data, sub-genic copy number gains are generally in tandem (PMID: 25640679). This variant is predicted to be out-of-frame, and may result in an absent or disrupted protein product. Loss-of-function variants in DMD are known to be pathogenic (PMID: 16770791, 25007885).

Literature cited by the submitters: PubMed 25640679; PubMed 16770791; PubMed 25007885.

NC_000023.10:g.(?_31196766)_(31986651_?)dup

Gene: DMD (dystrophin; minus strand). Cytogenetic location: Xp21.2-21.1.
Variant type: Duplication.
Identifiers: ClinVar variation 3243109 (VCV003243109.1).